The following is an entry in ClinVar:

NM_012434.5(SLC17A5):c.738G>A (p.Trp246Ter)

Gene: SLC17A5 (solute carrier family 17 member 5; minus strand). Cytogenetic location: 6q13.
Variant type: single nucleotide variant.
Coding change: c.738G>A on transcript NM_012434.5 (MANE Select); coding-DNA position 738, G replaced by A.
Protein change: p.Trp246Ter; replaces tryptophan 246 with a stop codon.
Molecular consequence: nonsense.
Genome position (GRCh38, 1-based): chr6:73,635,463, C>T on the plus strand (G>A on the coding strand, the complement: SLC17A5 is on the minus strand). VCF-style: chr6-73635463-C-T. GRCh37 (hg19) VCF-style: chr6-74345186-C-T.
Other names: c.507G>A, p.Trp169Ter (NM_001382629.1); c.738G>A, p.Trp246Ter (NM_001382630.1, NM_001382633.1, NM_001382634.1); c.759G>A, p.Trp253Ter (NM_001382631.1); c.651G>A, p.Trp217Ter (NM_001382632.1); c.735G>A, p.Trp245Ter (NM_001382635.1); c.420G>A, p.Trp140Ter (NM_001382636.1); short protein forms W217*, W169*, W245*, W246*, W140*, W253*.
Identifiers: ClinVar variation 1454733 (VCV001454733.9), dbSNP rs755923873, ClinGen allele CA3890444.

ClinVar aggregate classification (germline): Pathogenic/Likely pathogenic. Review status: criteria provided, multiple submitters, no conflicts (2 of 4 stars). 5 submissions from 5 submitters: Pathogenic (1); Likely pathogenic (4). Last evaluated 2024-02-09.

Conditions:
SLC17A5-related disorder. Also called: SLC17A5-related disorders; SLC17A5-related condition.
Sialic acid storage disease, severe infantile type (ISSD). Also called: INFANTILE SIALIC ACID STORAGE DISORDER; N-ACETYLNEURAMINIC ACID STORAGE DISEASE; NANA STORAGE DISEASE; SIALURIA, INFANTILE FORM; Infantile Sialic Acid Storage Disease; Free sialic acid storage disease, infantile form. Identifiers: Orphanet 309324, Orphanet 834, MedGen C1096902, MONDO:0010027, OMIM 269920.
Salla disease (SD). Also called: Sialuria, Finnish type; N-acetylneuraminic acid (NANA) storage disease (NSD); Infantile sialic acid storage disorder (ISSD); Less Severe FSASD (Salla Disease). Identifiers: Orphanet 309334, Orphanet 834, MedGen C1096903, MONDO:0011449, OMIM 604369.

Allele frequency attached by ClinVar (database versions not stated): ExAC 0.00001.
gnomAD v4.1: 5 of 1,606,464 alleles (0.00031%); highest among the groups gnomAD compares: Non-Finnish European, 0.00043%; no homozygotes.

Submissions (5):

Fulgent Genetics
Classification: Likely pathogenic for Sialic acid storage disease, severe infantile type; Salla disease. Last evaluated: 2024-02-09. Review status: criteria provided, single submitter. Criteria: ACMG Guidelines, 2015. Collection method: clinical testing. Allele origin: germline.

Labcorp Genetics (formerly Invitae), Labcorp
Classification: Pathogenic for Salla disease. Last evaluated: 2023-10-12. Review status: criteria provided, single submitter. Criteria: Invitae Variant Classification Sherloc (09022015). Collection method: clinical testing. Allele origin: germline.
Comment: This sequence change creates a premature translational stop signal (p.Trp246*) in the SLC17A5 gene. It is expected to result in an absent or disrupted protein product. Loss-of-function variants in SLC17A5 are known to be pathogenic (PMID: 10581036, 10947946, 15172001). This variant is present in population databases (rs755923873, gnomAD 0.0009%). This variant has not been reported in the literature in individuals affected with SLC17A5-related conditions. ClinVar contains an entry for this variant (Variation ID: 1454733). For these reasons, this variant has been classified as Pathogenic.

PreventionGenetics, part of Exact Sciences
Classification: Likely pathogenic for SLC17A5-related condition. Last evaluated: 2023-03-11. Review status: criteria provided, single submitter. Criteria: ACMG Guidelines, 2015. Collection method: clinical testing. Allele origin: germline.
Comment: The SLC17A5 c.738G>A variant is predicted to result in premature protein termination (p.Trp246*). To our knowledge, this variant has not been reported in the literature. This variant is reported in 0.00089% of alleles in individuals of European (Non-Finnish) descent in gnomAD. Nonsense variants in SLC17A5 are expected to be pathogenic, and therefore we interpret c.738G>A (p.Trp246*) as likely pathogenic.

Baylor Genetics
Classification: Likely pathogenic for Salla disease. Last evaluated: 2022-10-18. Review status: criteria provided, single submitter. Criteria: ACMG Guidelines, 2015. Collection method: clinical testing. Allele origin: unknown.

Women's Health and Genetics/Laboratory Corporation of America, LabCorp
Classification: Likely pathogenic for Salla disease. Last evaluated: 2022-08-19. Review status: criteria provided, single submitter. Criteria: LabCorp Variant Classification Summary - May 2015. Collection method: clinical testing. Allele origin: germline.
Comment: Variant summary: SLC17A5 c.738G>A (p.Trp246X) results in a premature termination codon, predicted to cause a truncation of the encoded protein or absence of the protein due to nonsense mediated decay, which are commonly known mechanisms for disease. Truncations downstream of this position have been classified as pathogenic by our laboratory. The variant allele was found at a frequency of 4e-06 in 248260 control chromosomes (gnomAD). To our knowledge, no occurrence of c.738G>A in individuals affected with Sialic Acid Storage Disorder and no experimental evidence demonstrating its impact on protein function have been reported. One ClinVar submitter (evaluation after 2014) cites the variant as pathogenic. Based on the evidence outlined above, the variant was classified as likely pathogenic.

Literature cited by the submitters: PubMed 10581036 (cited by Labcorp Genetics (formerly Invitae), Labcorp); PubMed 10947946 (cited by Labcorp Genetics (formerly Invitae), Labcorp); PubMed 15172001 (cited by Labcorp Genetics (formerly Invitae), Labcorp).